The following is an entry in ClinVar:

ClinVar aggregate classification (germline): Conflicting classifications of pathogenicity. Review status: criteria provided, conflicting classifications (1 of 4 stars). 6 submissions from 6 submitters: Uncertain significance (1); Benign (2); Likely benign (2). 1 of the submissions does not count toward it. Last evaluated 2026-04-01.

Conditions:
Joubert syndrome 20 (JBTS20). Identifiers: Orphanet 475, MedGen C3554235, MONDO:0013994, OMIM 614970.
Meckel syndrome, type 11 (MKS11). Identifiers: Orphanet 564, MedGen C3809352, MONDO:0014164, OMIM 615397.

Allele frequency attached by ClinVar (database versions not stated): gnomAD exomes 0.00121; ExAC 0.00135; 1000 Genomes Project 0.00359; gnomAD 0.00432 and 0.00468; 1000 Genomes Project 30x 0.00437; ESP Exome Variant Server 0.00457; TOPMed 0.00487.

Submissions (7):

CeGaT Center for Human Genetics Tuebingen
Classification: Likely benign. Last evaluated: 2026-04-01. Review status: criteria provided, single submitter. Criteria: CeGaT Center For Human Genetics Tuebingen Variant Classification Criteria Version 2. Collection method: clinical testing. Allele origin: germline. Affected: yes. Observed: 1 variant allele.
Comment: TMEM231: PP3, BS1

Labcorp Genetics (formerly Invitae), Labcorp
Classification: Benign for Joubert syndrome 20; Meckel syndrome, type 11. Last evaluated: 2026-01-27. Review status: criteria provided, single submitter. Criteria: Invitae Variant Classification Sherloc (09022015). Collection method: clinical testing. Allele origin: germline.

Blueprint Genetics
Classification: Likely benign. Last evaluated: 2024-11-27. Review status: criteria provided, single submitter. Criteria: ACMG Guidelines, 2015. Collection method: clinical testing. Allele origin: germline.

Mayo Clinic Laboratories, Mayo Clinic
Classification: Uncertain significance. Last evaluated: 2023-10-11. Review status: criteria provided, single submitter. Criteria: ACMG Guidelines, 2015. Collection method: clinical testing. Allele origin: germline. Observed: 2 variant alleles.
Comment: BS1, PP3

GeneDx
Classification: Benign. Last evaluated: 2018-03-27. Review status: criteria provided, single submitter. Criteria: GeneDx Variant Classification Process June 2021. Collection method: clinical testing. Allele origin: germline. Affected: yes.

Genetic Services Laboratory, University of Chicago
Classification: Likely benign. Last evaluated: 2022-11-21. Review status: no assertion criteria provided. Collection method: clinical testing. Allele origin: germline. Affected: no. Not counted in ClinVar's aggregate classification.

Dr. Peter K. Rogan Lab, Western University
No classification provided (evidence only). Condition: Malignant tumor of urinary bladder. Review status: no classification provided. Collection method: in vitro. Allele origin: not applicable. Functional consequence: retained intron. Not counted in ClinVar's aggregate classification.

NM_001077418.3(TMEM231):c.498G>A (p.Pro166=)

Gene: TMEM231 (transmembrane protein 231; minus strand). Cytogenetic location: 16q23.1.
Variant type: single nucleotide variant.
Coding change: c.498G>A on transcript NM_001077418.3 (MANE Select); coding-DNA position 498, G replaced by A.
Protein change: p.Pro166=; no amino-acid change (proline 166 retained).
Molecular consequence: synonymous variant. On other transcripts: non-coding transcript variant (1).
Genome position (GRCh38, 1-based): chr16:75,545,436, C>T on the plus strand (G>A on the coding strand, the complement: TMEM231 is on the minus strand). VCF-style: chr16-75545436-C-T. GRCh37 (hg19) VCF-style: chr16-75579334-C-T.
Other names: p.Pro219=; c.657G>A, p.Pro219= (NM_001077416.2).
Identifiers: ClinVar variation 385987 (VCV000385987.19), dbSNP rs201636741, ClinGen allele CA8176170.